The following is an entry in ClinVar:

ClinVar aggregate classification (germline): Uncertain significance (1 of 4 stars; one submission).

Conditions:
Autosomal dominant nonsyndromic hearing loss 1. Also called: KONIGSMARK SYNDROME; DEAFNESS, AUTOSOMAL DOMINANT 1, WITH OR WITHOUT THROMBOCYTOPENIA. Identifiers: Orphanet 90635, MedGen C1852282, MONDO:0007424, OMIM 124900.
Progressive microcephaly-seizures-cortical blindness-developmental delay syndrome. Also called: Seizures, cortical blindness, and microcephaly syndrome. Identifiers: Orphanet 477814, MedGen C5567650, MONDO:0014714, OMIM 616632.

Submission:

Labcorp Genetics (formerly Invitae), Labcorp
Classification: Uncertain significance for Progressive microcephaly-seizures-cortical blindness-developmental delay syndrome; Autosomal dominant nonsyndromic hearing loss 1. Last evaluated: 2023-09-15. Review status: criteria provided, single submitter. Criteria: Invitae Variant Classification Sherloc (09022015). Collection method: clinical testing. Allele origin: germline.
Comment: This variant is not present in population databases (gnomAD no frequency). This sequence change replaces phenylalanine, which is neutral and non-polar, with leucine, which is neutral and non-polar, at codon 755 of the DIAPH1 protein (p.Phe755Leu). This variant has not been reported in the literature in individuals affected with DIAPH1-related conditions. Experimental studies and prediction algorithms are not available or were not evaluated, and the functional significance of this variant is currently unknown. In summary, the available evidence is currently insufficient to determine the role of this variant in disease. Therefore, it has been classified as a Variant of Uncertain Significance.

NM_005219.5(DIAPH1):c.2263T>C (p.Phe755Leu)

Gene: DIAPH1 (diaphanous related formin 1; minus strand). Cytogenetic location: 5q31.3.
Variant type: single nucleotide variant.
Coding change: c.2263T>C on transcript NM_005219.5 (MANE Select); coding-DNA position 2263, T replaced by C.
Protein change: p.Phe755Leu; replaces phenylalanine 755 with leucine.
Molecular consequence: missense variant.
Genome position (GRCh38, 1-based): chr5:141,573,587, A>G on the plus strand (T>C on the coding strand, the complement: DIAPH1 is on the minus strand). VCF-style: chr5-141573587-A-G. GRCh37 (hg19) VCF-style: chr5-140953154-A-G.
Other names: c.2236T>C, p.Phe746Leu (NM_001079812.3); c.2263T>C, p.Phe755Leu (NM_001314007.2); short protein forms F755L, F746L.
Identifiers: ClinVar variation 2951954 (VCV002951954.3), dbSNP rs2513738418, ClinGen allele CA361516874.
Genomic context (GRCh38, chr5:141,573,587, plus strand): 5'-GCTTATAAAGCTTTTTGGGGGTTAATCCAAATGGCAGAACTGGGGCTGCAGGAACTCCAA[A>G]TCCAAATGGGGGAGGTGGAGGCATACCCATTCCGGGTGGAGGTGGAGGAATGCCAGGGCC-3'
Protein context (NP_005210.3, residues 745-765): MGMPPPPPFG[Phe755Leu]GVPAAPVLPF